The following is an entry in ClinVar:

ClinVar aggregate classification (germline): Benign. Review status: criteria provided, single submitter (1 of 4 stars). 3 submissions from 1 submitter: Benign (3). Last evaluated 2018-01-13.

Conditions:
Greig cephalopolysyndactyly syndrome (GCPS). Also called: POLYSYNDACTYLY WITH PECULIAR SKULL SHAPE; Greig syndrome; GLI3-Related Greig Cephalopolysyndactyly Syndrome. Identifiers: Orphanet 380, MedGen C0265306, MONDO:0008287, OMIM 175700.
Pallister-Hall syndrome (PHS). Also called: HYPOTHALAMIC HAMARTOBLASTOMA, HYPOPITUITARISM, IMPERFORATE ANUS, AND POSTAXIAL POLYDACTYLY; GLI3-Related Pallister-Hall Syndrome. Identifiers: Orphanet 672, MedGen C0265220, MONDO:0007804, OMIM 146510.
Polydactyly. Also called: polydactylism. Identifiers: MedGen C0152427, MONDO:0021003, OMIM 603596, HP:0010442.

Allele frequency attached by ClinVar (database versions not stated): 1000 Genomes Project 0.00060; 1000 Genomes Project 30x 0.00078; gnomAD 0.00115 and 0.00119; TOPMed 0.00130.

Submissions (3):

Illumina Laboratory Services, Illumina
Classification: Benign for Pallister-Hall syndrome. Last evaluated: 2018-01-13. Review status: criteria provided, single submitter. Criteria: ICSL Variant Classification Criteria 13 December 2019. Collection method: clinical testing. Allele origin: germline.
Comment: This variant was observed in the ICSL laboratory as part of a predisposition screen in an ostensibly healthy population. It had not been previously curated by ICSL or reported in the Human Gene Mutation Database (HGMD: prior to June 1st, 2018), and was therefore a candidate for classification through an automated scoring system. Utilizing variant allele frequency, disease prevalence and penetrance estimates, and inheritance mode, an automated score was calculated to assess if this variant is too frequent to cause the disease. Based on the score and internal cut-off values, a variant classified as benign is not then subjected to further curation. The score for this variant resulted in a classification of benign for this disease.

Illumina Laboratory Services, Illumina
Classification: Benign for Greig cephalopolysyndactyly syndrome. Last evaluated: 2018-01-13. Review status: criteria provided, single submitter. Criteria: ICSL Variant Classification Criteria 13 December 2019. Collection method: clinical testing. Allele origin: germline.
Comment: the same text as in the submission from Illumina Laboratory Services, Illumina above.

Illumina Laboratory Services, Illumina
Classification: Benign for Polydactyly. Last evaluated: 2018-01-13. Review status: criteria provided, single submitter. Criteria: ICSL Variant Classification Criteria 13 December 2019. Collection method: clinical testing. Allele origin: germline.
Comment: the same text as in the submission from Illumina Laboratory Services, Illumina above.

NM_000168.6(GLI3):c.*1464A>G

Gene: GLI3 (GLI family zinc finger 3; minus strand). Cytogenetic location: 7p14.1.
Variant type: single nucleotide variant.
Coding change: c.*1464A>G on transcript NM_000168.6 (MANE Select); 1464 bases downstream of the stop codon, A replaced by G.
Molecular consequence: 3 prime UTR variant.
Genome position (GRCh38, 1-based): chr7:41,962,866, T>C on the plus strand (A>G on the coding strand, the complement: GLI3 is on the minus strand). VCF-style: chr7-41962866-T-C. GRCh37 (hg19) VCF-style: chr7-42002464-T-C.
Identifiers: ClinVar variation 360186 (VCV000360186.5), dbSNP rs566417596, ClinGen allele CA10629066.
Genomic context (GRCh38, chr7:41,962,866, plus strand): 5'-CAGTAAATCCAATTCCAGGGGTCAATGGGACAGAATACAGCAGGTAGCCTGAGGTGTTAA[T>C]ATTTTAACAGTTTATATAATTTTTTAAAGCAATATGCTGGAAAATCCATGTACTCTTTGT-3'